The following is an entry in ClinVar:

NM_006204.4(PDE6C):c.2018A>G (p.Asp673Gly)

Gene: PDE6C (phosphodiesterase 6C; plus strand). Cytogenetic location: 10q23.33.
Variant type: single nucleotide variant.
Coding change: c.2018A>G on transcript NM_006204.4 (MANE Select); coding-DNA position 2018, A replaced by G.
Protein change: p.Asp673Gly; replaces aspartic acid 673 with glycine.
Molecular consequence: missense variant.
Genome position (GRCh38, 1-based): chr10:93,655,842, A>G. VCF-style: chr10-93655842-A-G. GRCh37 (hg19) VCF-style: chr10-95415599-A-G.
Other names: short protein forms D673G.
Identifiers: ClinVar variation 1709849 (VCV001709849.2), dbSNP rs2492557194, ClinGen allele CA377623135.
Genomic context (GRCh38, chr10:93,655,842, plus strand): 5'-TAAATAAGCGGCAGTTTGAAACAGTTATTCATTTGTTCGAGGTCGCAATAATAGCAACTG[A>G]CCTGGCTTTATATTTCAAGTAAGTACATAACTCTGCACAGTGGAATGCCCTATACTCTGT-3'
Protein context (NP_006195.3, residues 663-683): HLFEVAIIAT[Asp673Gly]LALYFKKRTM

ClinVar aggregate classification (germline): Uncertain significance (1 of 4 stars; one submission).

Conditions:
Cone dystrophy 4 (COD4). Identifiers: Orphanet 49382, MedGen C2751308, MONDO:0013129, OMIM 613093.

Submission:

MGZ Medical Genetics Center
Classification: Uncertain significance for Cone dystrophy 4. Last evaluated: 2021-10-27. Review status: criteria provided, single submitter. Criteria: ACMG Guidelines, 2015. Collection method: clinical testing. Allele origin: germline. Affected: yes. Observed: 1 variant allele.
Comment: ACMG criteria applied: PM2_SUP, PP3